The following is an entry in ClinVar:

NM_000047.3(ARSL):c.1043T>C (p.Ile348Thr)

Gene: ARSL (arylsulfatase L; minus strand). Cytogenetic location: Xp22.33.
Variant type: single nucleotide variant.
Coding change: c.1043T>C on transcript NM_000047.3 (MANE Select); coding-DNA position 1043, T replaced by C.
Protein change: p.Ile348Thr; replaces isoleucine 348 with threonine.
Molecular consequence: missense variant.
Genome position (GRCh38, 1-based): chrX:2,943,148, A>G on the plus strand (T>C on the coding strand, the complement: ARSL is on the minus strand). VCF-style: chrX-2943148-A-G. GRCh37 (hg19) VCF-style: chrX-2861189-A-G.
Other names: c.1118T>C, p.Ile373Thr (NM_001282628.2, NM_001369080.1); c.881T>C, p.Ile294Thr (NM_001282631.2); c.1070T>C, p.Ile357Thr (NM_001369079.1); short protein forms I373T, I357T, I294T, I348T.
Identifiers: ClinVar variation 2521822 (VCV002521822.4), dbSNP rs759330790, ClinGen allele CA10338088.

ClinVar aggregate classification (germline): Conflicting classifications of pathogenicity. Review status: criteria provided, conflicting classifications (1 of 4 stars). 2 submissions from 2 submitters: Uncertain significance (1); Likely benign (1). Last evaluated 2024-10-22.

Conditions:
Chondrodysplasia punctata, brachytelephalangic, autosomal. Also called: BRACHYTELEPHALANGIC CHONDRODYSPLASIA PUNCTATA. Identifiers: MedGen C1844853, MONDO:0011238, OMIM 602497.
Inborn genetic diseases. Identifiers: MedGen C0950123, MeSH D030342.

Allele frequency attached by ClinVar (database versions not stated): TOPMed 0.00003; ExAC 0.00006; gnomAD exomes 0.00006; gnomAD 0.00007.
gnomAD v4.1: 69 of 1,209,301 alleles (0.0057%); highest among the groups gnomAD compares: South Asian, 0.039%; no homozygotes.

Submissions (2):

Labcorp Genetics (formerly Invitae), Labcorp
Classification: Uncertain significance for Chondrodysplasia punctata, brachytelephalangic, autosomal. Last evaluated: 2024-10-22. Review status: criteria provided, single submitter. Criteria: Invitae Variant Classification Sherloc (09022015). Collection method: clinical testing. Allele origin: germline.
Comment: This sequence change replaces isoleucine, which is neutral and non-polar, with threonine, which is neutral and polar, at codon 348 of the ARSE protein (p.Ile348Thr). This variant is present in population databases (rs759330790, gnomAD 0.04%), and has an allele count higher than expected for a pathogenic variant. This variant has not been reported in the literature in individuals affected with ARSE-related conditions. ClinVar contains an entry for this variant (Variation ID: 2521822). Invitae Evidence Modeling of protein sequence and biophysical properties (such as structural, functional, and spatial information, amino acid conservation, physicochemical variation, residue mobility, and thermodynamic stability) has been performed for this missense variant. However, the output from this modeling did not meet the statistical confidence thresholds required to predict the impact of this variant on ARSE protein function. In summary, the available evidence is currently insufficient to determine the role of this variant in disease. Therefore, it has been classified as a Variant of Uncertain Significance.

Ambry Genetics
Classification: Likely benign for Inborn genetic diseases. Last evaluated: 2023-04-10. Review status: criteria provided, single submitter. Criteria: Ambry Variant Classification Scheme 2023. Collection method: clinical testing. Allele origin: germline.